The following is an entry in ClinVar:

NM_006031.6(PCNT):c.4938A>G (p.Arg1646=)

Gene: PCNT (pericentrin; plus strand). Cytogenetic location: 21q22.3.
Variant type: single nucleotide variant.
Coding change: c.4938A>G on transcript NM_006031.6 (MANE Select); coding-DNA position 4938, A replaced by G.
Protein change: p.Arg1646=; no amino-acid change (arginine 1646 retained).
Molecular consequence: synonymous variant.
Genome position (GRCh38, 1-based): chr21:46,401,697, A>G. VCF-style: chr21-46401697-A-G. GRCh37 (hg19) VCF-style: chr21-47821611-A-G.
Other names: c.4584A>G, p.Arg1528= (NM_001315529.2); c.4938A>G (NM_006031.5).
Identifiers: ClinVar variation 2906523 (VCV002906523.5), dbSNP rs781428814, ClinGen allele CA10079818.

ClinVar aggregate classification (germline): Likely benign. Review status: criteria provided, single submitter (1 of 4 stars). 2 submissions from 2 submitters: Likely benign (1). 1 of the submissions does not count toward it. Last evaluated 2024-02-16.

Conditions:
PCNT-related disorder. Also called: PCNT-related condition.

Allele frequency attached by ClinVar (database versions not stated): gnomAD exomes 0.00002; TOPMed 0.00002; ExAC 0.00003; gnomAD 0.00003.
gnomAD v4.1: 36 of 1,613,656 alleles (0.0022%); highest among the groups gnomAD compares: Non-Finnish European, 0.003%; no homozygotes.

Submissions (2):

Labcorp Genetics (formerly Invitae), Labcorp
Classification: Likely benign. Last evaluated: 2024-02-16. Review status: criteria provided, single submitter. Criteria: Invitae Variant Classification Sherloc (09022015). Collection method: clinical testing. Allele origin: germline.

PreventionGenetics, part of Exact Sciences
Classification: Likely benign for PCNT-related condition. Last evaluated: 2023-07-31. Review status: no assertion criteria provided. Collection method: clinical testing. Allele origin: germline. Not counted in ClinVar's aggregate classification.
Comment: This variant is classified as likely benign based on ACMG/AMP sequence variant interpretation guidelines (Richards et al. 2015 PMID: 25741868, with internal and published modifications).